The following is an entry in ClinVar:

ClinVar aggregate classification (germline): Likely benign (1 of 4 stars; one submission).

Submission:

CeGaT Center for Human Genetics Tuebingen
Classification: Likely benign. Last evaluated: 2026-01-01. Review status: criteria provided, single submitter. Criteria: CeGaT Center For Human Genetics Tuebingen Variant Classification Criteria Version 2. Collection method: clinical testing. Allele origin: germline. Affected: yes. Observed: 1 variant allele.
Comment: DRD4: PM2:Supporting, BP4, BP7

NM_000797.4(DRD4):c.645G>T (p.Thr215=)

Gene: DRD4 (dopamine receptor D4; plus strand). Cytogenetic location: 11p15.5.
Variant type: single nucleotide variant.
Coding change: c.645G>T on transcript NM_000797.4 (MANE Select); coding-DNA position 645, G replaced by T.
Protein change: p.Thr215=; no amino-acid change (threonine 215 retained).
Molecular consequence: synonymous variant.
Genome position (GRCh38, 1-based): chr11:639,894, G>T. VCF-style: chr11-639894-G-T. GRCh37 (hg19) VCF-style: chr11-639894-G-T.
Identifiers: ClinVar variation 4823157 (VCV004823157.4).
Genomic context (GRCh38, chr11:639,894, plus strand): 5'-CTCGTCCGTGTGCTCCTTCTTCCTACCCTGCCCGCTCATGCTGCTGCTCTACTGGGCCAC[G>T]TTCCGCGGCCTGCAGCGCTGGGAGGTGGCACGTCGCGCCAAGCTGCACGGCCGCGCGCCC-3'
Protein context (NP_000788.2, residues 205-225): CPLMLLLYWA[Thr215=]FRGLQRWEVA